The following is an entry in ClinVar:

ClinVar aggregate classification (germline): Uncertain significance (1 of 4 stars; one submission).

Conditions:
CREBBP-related disorder. Also called: CREBBP-related condition; CREBBP-related disorders.

gnomAD v4.1: 1 of 1,613,950 alleles (0.000062%); highest among the groups gnomAD compares: Non-Finnish European, 0.000085%; no homozygotes.

Submission:

PreventionGenetics, part of Exact Sciences
Classification: Uncertain significance for CREBBP-related condition. Last evaluated: 2026-03-11. Review status: criteria provided, single submitter. Criteria: ACMG Guidelines, 2015. Collection method: clinical testing. Allele origin: germline.
Comment: The CREBBP c.6521T>C variant is predicted to result in the amino acid substitution p.Met2174Thr. To our knowledge, this variant has not been reported in the literature or in a large population database (gnomAD), indicating this variant is rare. At this time, the clinical significance of this variant is uncertain due to the absence of conclusive functional and genetic evidence.

NM_004380.3(CREBBP):c.6521T>C (p.Met2174Thr)

Gene: CREBBP (CREB binding lysine acetyltransferase; minus strand). Cytogenetic location: 16p13.3.
Variant type: single nucleotide variant.
Coding change: c.6521T>C on transcript NM_004380.3 (MANE Select); coding-DNA position 6521, T replaced by C.
Protein change: p.Met2174Thr; replaces methionine 2174 with threonine.
Molecular consequence: missense variant.
Genome position (GRCh38, 1-based): chr16:3,728,526, A>G on the plus strand (T>C on the coding strand, the complement: CREBBP is on the minus strand). VCF-style: chr16-3728526-A-G. GRCh37 (hg19) VCF-style: chr16-3778527-A-G.
Other names: c.6407T>C, p.Met2136Thr (NM_001079846.1); short protein forms M2136T, M2174T.
Identifiers: ClinVar variation 4992979 (VCV004992979.1).